The following is an entry in ClinVar:

ClinVar aggregate classification (germline): Uncertain significance. Review status: criteria provided, multiple submitters, no conflicts (2 of 4 stars). 2 submissions from 2 submitters: Uncertain significance (2). Last evaluated 2025-06-27.

Conditions:
Charcot-Marie-Tooth disease type 2. Also called: Charcot-Marie-Tooth type 2. Identifiers: Orphanet 64746, MedGen C0270914, MONDO:0018993.

Allele frequency attached by ClinVar (database versions not stated): gnomAD exomes below 0.00001.

Submissions (2):

Ambry Genetics
Classification: Uncertain significance. Last evaluated: 2025-06-27. Review status: criteria provided, single submitter. Criteria: Ambry Variant Classification Scheme 2023. Collection method: clinical testing. Allele origin: germline.
Comment: The p.R577H variant (also known as c.1730G>A), located in coding exon 18 of the KIF1B gene, results from a G to A substitution at nucleotide position 1730. The arginine at codon 577 is replaced by histidine, an amino acid with highly similar properties. This amino acid position is conserved. In addition, this alteration is predicted to be deleterious by in silico analysis. Since supporting evidence is limited at this time, the clinical significance of this alteration remains unclear.

Labcorp Genetics (formerly Invitae), Labcorp
Classification: Uncertain significance for Charcot-Marie-Tooth disease type 2. Last evaluated: 2024-05-06. Review status: criteria provided, single submitter. Criteria: Invitae Variant Classification Sherloc (09022015). Collection method: clinical testing. Allele origin: germline.
Comment: This sequence change replaces arginine, which is basic and polar, with histidine, which is basic and polar, at codon 577 of the KIF1B protein (p.Arg577His). This variant is not present in population databases (gnomAD no frequency). This variant has not been reported in the literature in individuals affected with KIF1B-related conditions. ClinVar contains an entry for this variant (Variation ID: 1402051). Advanced modeling of protein sequence and biophysical properties (such as structural, functional, and spatial information, amino acid conservation, physicochemical variation, residue mobility, and thermodynamic stability) performed at Invitae indicates that this missense variant is not expected to disrupt KIF1B protein function with a negative predictive value of 80%. In summary, the available evidence is currently insufficient to determine the role of this variant in disease. Therefore, it has been classified as a Variant of Uncertain Significance.

NM_001365951.3(KIF1B):c.1868G>A (p.Arg623His)

Gene: KIF1B (kinesin family member 1B; plus strand). Cytogenetic location: 1p36.22.
Variant type: single nucleotide variant.
Coding change: c.1868G>A on transcript NM_001365951.3 (MANE Select); coding-DNA position 1868, G replaced by A.
Protein change: p.Arg623His; replaces arginine 623 with histidine.
Molecular consequence: missense variant.
Genome position (GRCh38, 1-based): chr1:10,296,903, G>A. VCF-style: chr1-10296903-G-A. GRCh37 (hg19) VCF-style: chr1-10356961-G-A.
Other names: c.1868G>A, p.Arg623His (NM_001365952.1); c.1730G>A, p.Arg577His (NM_001365953.1, NM_015074.3, NM_183416.4); short protein forms R623H, R577H.
Identifiers: ClinVar variation 1402051 (VCV001402051.11), dbSNP rs1650293838, ClinGen allele CA338316489.
Genomic context (GRCh38, chr1:10,296,903, plus strand): 5'-ATACTATATATTAAAAAAATTATTTCTTAACCCTATTTTTCTGTTTTGTGCTAGGAAACC[G>A]TATCATCATGGGTAAAAACCATGTTTTCCGCTTTAACCACCCGGAACAAGCACGAGCTGA-3'
Protein context (NP_001352880.1, residues 613-633): SQPVQLRSGN[Arg623His]IIMGKNHVFR